The following is an entry in ClinVar:

ClinVar aggregate classification (germline): Uncertain significance. Review status: criteria provided, multiple submitters, no conflicts (2 of 4 stars). 2 submissions from 2 submitters: Uncertain significance (2). Last evaluated 2024-08-08.

Conditions:
Lymphedema. Also called: Lymphoedema. Identifiers: MedGen C0024236, MONDO:0019297, HP:0001004.

Allele frequency attached by ClinVar (database versions not stated): TOPMed 0.00001; gnomAD 0.00002.
gnomAD v4.1: 49 of 1,613,892 alleles (0.003%); highest among the groups gnomAD compares: East Asian, 0.0067%; no homozygotes.

Submissions (2):

Labcorp Genetics (formerly Invitae), Labcorp
Classification: Uncertain significance. Last evaluated: 2024-08-08. Review status: criteria provided, single submitter. Criteria: Invitae Variant Classification Sherloc (09022015). Collection method: clinical testing. Allele origin: germline.
Comment: This sequence change replaces asparagine, which is neutral and polar, with serine, which is neutral and polar, at codon 256 of the DCHS1 protein (p.Asn256Ser). This variant is present in population databases (rs756609982, gnomAD 0.007%). This variant has not been reported in the literature in individuals affected with DCHS1-related conditions. Advanced modeling of protein sequence and biophysical properties (such as structural, functional, and spatial information, amino acid conservation, physicochemical variation, residue mobility, and thermodynamic stability) performed at Invitae indicates that this missense variant is not expected to disrupt DCHS1 protein function with a negative predictive value of 95%. In summary, the available evidence is currently insufficient to determine the role of this variant in disease. Therefore, it has been classified as a Variant of Uncertain Significance.

Clinical Genomics Laboratory, Washington University in St. Louis
Classification: Uncertain significance for Lymphedema. Last evaluated: 2023-08-11. Review status: criteria provided, single submitter. Criteria: ACMG Guidelines, 2015. Collection method: clinical testing. Allele origin: germline.
Comment: The DCHS1 c.767A>G (p.Asn256Ser) variant was identified at near heterozygous allelic fraction. This variant, to our knowledge, has not been reported in the medical literature. The DCHS1 c.767A>G (p.Asn256Ser) variant is only observed on 3/152,194 alleles in the general population (gnomAD v.2.1.1), indicating it is not a common variant. Computational predictors are conflicting as to the impact of this variant on DCHS1 function. Due to limited information and based on ACMG/AMP guidelines for variant interpretation (Richards S et al., PMID: 25741868), the clinical significance of this variant is uncertain at this time.

NM_003737.4(DCHS1):c.767A>G (p.Asn256Ser)

Gene: DCHS1 (dachsous cadherin-related 1; minus strand). Cytogenetic location: 11p15.4.
Variant type: single nucleotide variant.
Coding change: c.767A>G on transcript NM_003737.4 (MANE Select); coding-DNA position 767, A replaced by G.
Protein change: p.Asn256Ser; replaces asparagine 256 with serine.
Molecular consequence: missense variant.
Genome position (GRCh38, 1-based): chr11:6,640,847, T>C on the plus strand (A>G on the coding strand, the complement: DCHS1 is on the minus strand). VCF-style: chr11-6640847-T-C. GRCh37 (hg19) VCF-style: chr11-6662078-T-C.
Other names: short protein forms N256S.
Identifiers: ClinVar variation 2672203 (VCV002672203.3), dbSNP rs756609982, ClinGen allele CA5861091.